The following is an entry in ClinVar:

NM_206965.2(FTCD):c.774+4A>G

Gene: FTCD (formimidoyltransferase cyclodeaminase; minus strand). Cytogenetic location: 21q22.3.
Variant type: single nucleotide variant.
Coding change: c.774+4A>G on transcript NM_206965.2 (MANE Select); 4 bases into the intron after coding-DNA position 774, A replaced by G.
Molecular consequence: intron variant.
Genome position (GRCh38, 1-based): chr21:46,150,384, T>C on the plus strand (A>G on the coding strand, the complement: FTCD is on the minus strand). VCF-style: chr21-46150384-T-C. GRCh37 (hg19) VCF-style: chr21-47570298-T-C.
Other names: c.774+4A>G (NM_001320412.2, NM_006657.3).
Identifiers: ClinVar variation 846678 (VCV000846678.7), dbSNP rs759550771, ClinGen allele CA10073741.

ClinVar aggregate classification (germline): Uncertain significance (1 of 4 stars; one submission).

Conditions:
Glutamate formiminotransferase deficiency. Also called: Arakawa syndrome 1; Formiminoglutamic aciduria. Identifiers: Orphanet 51208, MedGen C0268609, MONDO:0009240, OMIM 229100.

Allele frequency attached by ClinVar (database versions not stated): gnomAD 0.00001; ExAC 0.00002; gnomAD exomes 0.00002 and 0.00003; TOPMed 0.00003.

Submission:

Labcorp Genetics (formerly Invitae), Labcorp
Classification: Uncertain significance for Glutamate formiminotransferase deficiency. Last evaluated: 2025-07-20. Review status: criteria provided, single submitter. Criteria: Invitae Variant Classification Sherloc (09022015). Collection method: clinical testing. Allele origin: germline.
Comment: This sequence change falls in intron 6 of the FTCD gene. It does not directly change the encoded amino acid sequence of the FTCD protein. It affects a nucleotide within the consensus splice site. This variant is present in population databases (rs759550771, gnomAD 0.003%). This variant has not been reported in the literature in individuals affected with FTCD-related conditions. ClinVar contains an entry for this variant (Variation ID: 846678). Variants that disrupt the consensus splice site are a relatively common cause of aberrant splicing (PMID: 17576681, 9536098). Algorithms developed to predict the effect of sequence changes on RNA splicing suggest that this variant is not likely to affect RNA splicing. In summary, the available evidence is currently insufficient to determine the role of this variant in disease. Therefore, it has been classified as a Variant of Uncertain Significance.

Literature cited by the submitters: PubMed 17576681; PubMed 9536098.